The following is an entry in ClinVar:

ClinVar aggregate classification (germline): Uncertain significance (1 of 4 stars; one submission).

Conditions:
Neurofibromatosis, type 1 (NF1). Also called: Neurofibromatosis, type I; VON RECKLINGHAUSEN DISEASE; NEUROFIBROMATOSIS, TYPE I, SOMATIC; Peripheral type neurofibromatosis. Identifiers: Orphanet 636, MedGen C0027831, MONDO:0018975, OMIM 162200. Disease mechanism: loss of function.

Submission:

Labcorp Genetics (formerly Invitae), Labcorp
Classification: Uncertain significance for Neurofibromatosis, type 1. Last evaluated: 2021-12-02. Review status: criteria provided, single submitter. Criteria: Invitae Variant Classification Sherloc (09022015). Collection method: clinical testing. Allele origin: germline.
Comment: In summary, the available evidence is currently insufficient to determine the role of this variant in disease. Therefore, it has been classified as a Variant of Uncertain Significance. Advanced modeling of protein sequence and biophysical properties (such as structural, functional, and spatial information, amino acid conservation, physicochemical variation, residue mobility, and thermodynamic stability) performed at Invitae indicates that this missense variant is not expected to disrupt NF1 protein function. This variant has not been reported in the literature in individuals affected with NF1-related conditions. This variant is not present in population databases (gnomAD no frequency). This sequence change replaces serine, which is neutral and polar, with threonine, which is neutral and polar, at codon 331 of the NF1 protein (p.Ser331Thr).

NM_001042492.3(NF1):c.992G>C (p.Ser331Thr)

Gene: NF1 (neurofibromin 1; plus strand). Cytogenetic location: 17q11.2.
Variant type: single nucleotide variant.
Coding change: c.992G>C on transcript NM_001042492.3 (MANE Select); coding-DNA position 992, G replaced by C.
Protein change: p.Ser331Thr; replaces serine 331 with threonine.
Molecular consequence: missense variant.
Genome position (GRCh38, 1-based): chr17:31,200,525, G>C. VCF-style: chr17-31200525-G-C. GRCh37 (hg19) VCF-style: chr17-29527543-G-C.
Other names: c.992G>C, p.Ser331Thr (NM_000267.4, NM_001128147.3); short protein forms S331T.
Identifiers: ClinVar variation 1478639 (VCV001478639.6), dbSNP rs1555610899, ClinGen allele CA398996149.